The following is an entry in ClinVar:

NM_020754.4(ARHGAP31):c.4252C>A (p.Leu1418Ile)

Gene: ARHGAP31 (Rho GTPase activating protein 31; plus strand). Cytogenetic location: 3q13.33.
Variant type: single nucleotide variant.
Coding change: c.4252C>A on transcript NM_020754.4 (MANE Select); coding-DNA position 4252, C replaced by A.
Protein change: p.Leu1418Ile; replaces leucine 1418 with isoleucine.
Molecular consequence: missense variant.
Genome position (GRCh38, 1-based): chr3:119,416,181, C>A. VCF-style: chr3-119416181-C-A. GRCh37 (hg19) VCF-style: chr3-119135028-C-A.
Other names: short protein forms L1418I.
Identifiers: ClinVar variation 1306779 (VCV001306779.5), dbSNP rs200969346, ClinGen allele CA2554323.

ClinVar aggregate classification (germline): Conflicting classifications of pathogenicity. Review status: criteria provided, conflicting classifications (1 of 4 stars). 3 submissions from 3 submitters: Uncertain significance (2); Likely benign (1). Last evaluated 2025-08-17.

Conditions:
Inborn genetic diseases. Identifiers: MedGen C0950123, MeSH D030342.

Allele frequency attached by ClinVar (database versions not stated): ExAC 0.00003; gnomAD exomes 0.00003; gnomAD 0.00004; TOPMed 0.00006; ESP Exome Variant Server 0.00017.
gnomAD v4.1: 89 of 1,614,080 alleles (0.0055%); highest among the groups gnomAD compares: Non-Finnish European, 0.0069%; no homozygotes.

Submissions (3):

Labcorp Genetics (formerly Invitae), Labcorp
Classification: Uncertain significance. Last evaluated: 2025-08-17. Review status: criteria provided, single submitter. Criteria: Invitae Variant Classification Sherloc (09022015). Collection method: clinical testing. Allele origin: germline.
Comment: This sequence change replaces leucine, which is neutral and non-polar, with isoleucine, which is neutral and non-polar, at codon 1418 of the ARHGAP31 protein (p.Leu1418Ile). This variant is present in population databases (rs200969346, gnomAD 0.009%). This variant has not been reported in the literature in individuals affected with ARHGAP31-related conditions. ClinVar contains an entry for this variant (Variation ID: 1306779). An algorithm developed to predict the effect of missense changes on protein structure and function (PolyPhen-2) suggests that this variant is likely to be disruptive. In summary, the available evidence is currently insufficient to determine the role of this variant in disease. Therefore, it has been classified as a Variant of Uncertain Significance.

Ambry Genetics
Classification: Likely benign for Inborn genetic diseases. Last evaluated: 2022-07-06. Review status: criteria provided, single submitter. Criteria: Ambry Variant Classification Scheme 2023. Collection method: clinical testing. Allele origin: germline.

GeneDx
Classification: Uncertain significance. Last evaluated: 2019-06-28. Review status: criteria provided, single submitter. Criteria: GeneDx Variant Classification Process June 2021. Collection method: clinical testing. Allele origin: germline. Affected: yes.
Comment: In silico analysis, which includes protein predictors and evolutionary conservation, supports that this variant does not alter protein structure/function; Has not been previously published as pathogenic or benign to our knowledge